The following is an entry in ClinVar:

NM_012116.4(CBLC):c.1094C>T (p.Pro365Leu)

Gene: CBLC (Cbl proto-oncogene C; plus strand). Cytogenetic location: 19q13.32.
Variant type: single nucleotide variant.
Coding change: c.1094C>T on transcript NM_012116.4 (MANE Select); coding-DNA position 1094, C replaced by T.
Protein change: p.Pro365Leu; replaces proline 365 with leucine.
Molecular consequence: missense variant.
Genome position (GRCh38, 1-based): chr19:44,792,471, C>T. VCF-style: chr19-44792471-C-T. GRCh37 (hg19) VCF-style: chr19-45295728-C-T.
Other names: c.956C>T, p.Pro319Leu (NM_001130852.1); short protein forms P365L, P319L.
Identifiers: ClinVar variation 2261229 (VCV002261229.3), dbSNP rs971614881, ClinGen allele CA308900788.
Genomic context (GRCh38, chr19:44,792,471, plus strand): 5'-ACTCCACATTTGAGCTCTGCAAGATCTGTGCTGAGAGCAACAAGGATGTGAAGATTGAGC[C>T]GTGCGGGCACCTGCTCTGCAGCTGCTGCCTGGCTGCCTGGCAGGTGGGTCTGACCCCTGT-3'
Protein context (NP_036248.3, residues 355-375): AESNKDVKIE[Pro365Leu]CGHLLCSCCL

ClinVar aggregate classification (germline): Uncertain significance (1 of 4 stars; one submission).

Allele frequency attached by ClinVar (database versions not stated): TOPMed 0.00002; gnomAD 0.00002.
gnomAD v4.1: 25 of 1,611,202 alleles (0.0016%); highest among the groups gnomAD compares: East Asian, 0.0022%; no homozygotes.

Submission:

Ambry Genetics
Classification: Uncertain significance. Last evaluated: 2026-07-01. Review status: criteria provided, single submitter. Criteria: Ambry Variant Classification Scheme 2023. Collection method: clinical testing. Allele origin: germline.
Comment: The p.P365L variant (also known as c.1094C>T), located in coding exon 7 of the CBLC gene, results from a C to T substitution at nucleotide position 1094. The proline at codon 365 is replaced by leucine, an amino acid with similar properties. This amino acid position is conserved. In addition, this alteration is predicted to be deleterious by in silico analysis. Based on the available evidence, the clinical significance of this variant remains unclear.